The following is an entry in ClinVar:

ClinVar aggregate classification (germline): Benign (1 of 4 stars; one submission).

Allele frequency attached by ClinVar (database versions not stated): 1000 Genomes Project 0.00060; 1000 Genomes Project 30x 0.00062; gnomAD 0.00177; gnomAD exomes 0.00122; TOPMed 0.00157.
gnomAD v4.1: 415 of 269,816 alleles (0.15%); highest among the groups gnomAD compares: Non-Finnish European, 0.23%; no homozygotes.

Submission:

CeGaT Center for Human Genetics Tuebingen
Classification: Benign. Last evaluated: 2023-03-01. Review status: criteria provided, single submitter. Criteria: CeGaT Center For Human Genetics Tuebingen Variant Classification Criteria Version 2. Collection method: clinical testing. Allele origin: germline. Affected: yes. Observed: 2 variant alleles.
Comment: MYH14: BS1, BS2

NM_001145809.2(MYH14):c.973+374C>T

Gene: MYH14 (myosin heavy chain 14; plus strand). Cytogenetic location: 19q13.33.
Variant type: single nucleotide variant.
Coding change: c.973+374C>T on transcript NM_001145809.2 (MANE Select); 374 bases into the intron after coding-DNA position 973, C replaced by T.
Molecular consequence: intron variant.
Genome position (GRCh38, 1-based): chr19:50,230,997, C>T. VCF-style: chr19-50230997-C-T. GRCh37 (hg19) VCF-style: chr19-50734254-C-T.
Other names: c.973+374C>T (NM_001077186.2); c.949+374C>T (NM_024729.4).
Identifiers: ClinVar variation 1879450 (VCV001879450.29), dbSNP rs147247277, ClinGen allele CA309583583.